The following is an entry in ClinVar:

NM_005918.4(MDH2):c.167A>G (p.Tyr56Cys)

Gene: MDH2 (malate dehydrogenase 2; plus strand). Cytogenetic location: 7q11.23.
Variant type: single nucleotide variant.
Coding change: c.167A>G on transcript NM_005918.4 (MANE Select); coding-DNA position 167, A replaced by G.
Protein change: p.Tyr56Cys; replaces tyrosine 56 with cysteine.
Molecular consequence: missense variant. On other transcripts: intron variant (1).
Genome position (GRCh38, 1-based): chr7:76,054,930, A>G. VCF-style: chr7-76054930-A-G. GRCh37 (hg19) VCF-style: chr7-75684248-A-G.
Other names: c.167A>G, p.Tyr56Cys (NM_001282403.2); c.-86-2480A>G (NM_001282404.2); short protein forms Y56C.
Identifiers: ClinVar variation 2469335 (VCV002469335.2), dbSNP rs2535852814, ClinGen allele CA367762520.
Genomic context (GRCh38, chr7:76,054,930, plus strand): 5'-TCGGGCAGCCACTTTCACTTCTCCTGAAGAACAGCCCCTTGGTGAGCCGCCTGACCCTCT[A>G]TGATATCGCGCACACACCCGGAGTGGCCGCAGATCTGAGCCACATCGAGACCAAAGCCGC-3'
Protein context (NP_005909.2, residues 46-66): NSPLVSRLTL[Tyr56Cys]DIAHTPGVAA

ClinVar aggregate classification (germline): Uncertain significance (1 of 4 stars; one submission).

Conditions:
Inborn genetic diseases. Identifiers: MedGen C0950123, MeSH D030342.

Allele frequency attached by ClinVar (database versions not stated): gnomAD exomes below 0.00001.
gnomAD v4.1: 2 of 1,614,028 alleles (0.00012%); highest among the groups gnomAD compares: Non-Finnish European, 0.00017%; no homozygotes.

Submission:

Ambry Genetics
Classification: Uncertain significance for Inborn genetic diseases. Last evaluated: 2023-02-12. Review status: criteria provided, single submitter. Criteria: Ambry Variant Classification Scheme 2023. Collection method: clinical testing. Allele origin: germline.
Comment: The p.Y56C variant (also known as c.167A>G), located in coding exon 2 of the MDH2 gene, results from an A to G substitution at nucleotide position 167. The tyrosine at codon 56 is replaced by cysteine, an amino acid with highly dissimilar properties. This amino acid position is conserved. In addition, this alteration is predicted to be deleterious by in silico analysis. Since supporting evidence is limited at this time, the clinical significance of this alteration remains unclear.